The following is an entry in ClinVar:

NM_005559.4(LAMA1):c.8084G>C (p.Arg2695Pro)

Genes: LAMA1 (laminin subunit alpha 1; minus strand), LOC101927188 (uncharacterized LOC101927188; plus strand). Cytogenetic location: 18p11.31.
Variant type: single nucleotide variant.
Coding change: c.8084G>C on transcript NM_005559.4 (MANE Select); coding-DNA position 8084, G replaced by C.
Protein change: p.Arg2695Pro; replaces arginine 2695 with proline.
Molecular consequence: missense variant. On other transcripts: non-coding transcript variant (1).
Genome position (GRCh38, 1-based): chr18:6,956,646, C>G on the plus strand (G>C on the coding strand, the complement: LAMA1 is on the minus strand). VCF-style: chr18-6956646-C-G. GRCh37 (hg19) VCF-style: chr18-6956645-C-G.
Other names: short protein forms R2695P.
Identifiers: ClinVar variation 2869215 (VCV002869215.3), dbSNP rs558634642, ClinGen allele CA401841260.

ClinVar aggregate classification (germline): Uncertain significance (1 of 4 stars; one submission).

gnomAD v4.1: 5 of 1,614,088 alleles (0.00031%); highest among the groups gnomAD compares: Non-Finnish European, 0.00042%; no homozygotes.

Submission:

Labcorp Genetics (formerly Invitae), Labcorp
Classification: Uncertain significance. Last evaluated: 2023-08-30. Review status: criteria provided, single submitter. Criteria: Invitae Variant Classification Sherloc (09022015). Collection method: clinical testing. Allele origin: germline.
Comment: In summary, the available evidence is currently insufficient to determine the role of this variant in disease. Therefore, it has been classified as a Variant of Uncertain Significance. Algorithms developed to predict the effect of missense changes on protein structure and function output the following: SIFT: "Not Available"; PolyPhen-2: "Benign"; Align-GVGD: "Not Available". The proline amino acid residue is found in multiple mammalian species, which suggests that this missense change does not adversely affect protein function. This variant has not been reported in the literature in individuals affected with LAMA1-related conditions. This variant is present in population databases (no rsID available, gnomAD 0.0009%). This sequence change replaces arginine, which is basic and polar, with proline, which is neutral and non-polar, at codon 2695 of the LAMA1 protein (p.Arg2695Pro).